The following is an entry in ClinVar:

ClinVar aggregate classification (germline): Conflicting classifications of pathogenicity. Review status: criteria provided, conflicting classifications (1 of 4 stars). 6 submissions from 6 submitters: Uncertain significance (4); Likely benign (2). Last evaluated 2026-02-02.

Conditions:
Supravalvar aortic stenosis (SVAS). Also called: Supravalvar aortic stenosis, Eisenberg type. Identifiers: Orphanet 3193, MedGen C0003499, MONDO:0008504, OMIM 185500, HP:0004381.

Allele frequency attached by ClinVar (database versions not stated): gnomAD 0.00008; 1000 Genomes Project 30x 0.00016; gnomAD exomes 0.00003; TOPMed 0.00007; ExAC 0.00001; 1000 Genomes Project 0.00020.

Submissions (6):

Labcorp Genetics (formerly Invitae), Labcorp
Classification: Uncertain significance for Supravalvar aortic stenosis. Last evaluated: 2026-02-02. Review status: criteria provided, single submitter. Criteria: Invitae Variant Classification Sherloc (09022015). Collection method: clinical testing. Allele origin: germline.
Comment: This sequence change replaces glycine, which is neutral and non-polar, with aspartic acid, which is acidic and polar, at codon 473 of the ELN protein (p.Gly473Asp). This variant is present in population databases (rs192461213, gnomAD 0.006%). This variant has not been reported in the literature in individuals affected with ELN-related conditions. ClinVar contains an entry for this variant (Variation ID: 429705). Invitae Evidence Modeling of protein sequence and biophysical properties (such as structural, functional, and spatial information, amino acid conservation, physicochemical variation, residue mobility, and thermodynamic stability) indicates that this missense variant is not expected to disrupt ELN protein function with a negative predictive value of 80%. In summary, the available evidence is currently insufficient to determine the role of this variant in disease. Therefore, it has been classified as a Variant of Uncertain Significance.

GeneDx
Classification: Uncertain significance. Last evaluated: 2025-08-19. Review status: criteria provided, single submitter. Criteria: GeneDx Variant Classification Process June 2021. Collection method: clinical testing. Allele origin: germline. Affected: yes.
Comment: Has not been previously published as pathogenic or benign to our knowledge; In silico analysis supports that this missense variant does not alter protein structure/function; Reported using an alternate transcript of the gene

Women's Health and Genetics/Laboratory Corporation of America, LabCorp
Classification: Uncertain significance. Last evaluated: 2023-07-29. Review status: criteria provided, single submitter. Criteria: LabCorp Variant Classification Summary - May 2015. Collection method: clinical testing. Allele origin: germline.

CeGaT Center for Human Genetics Tuebingen
Classification: Likely benign. Last evaluated: 2023-01-01. Review status: criteria provided, single submitter. Criteria: CeGaT Center For Human Genetics Tuebingen Variant Classification Criteria Version 2. Collection method: clinical testing. Allele origin: germline. Affected: yes. Observed: 2 variant alleles.
Comment: ELN: BP4

Blueprint Genetics
Classification: Likely benign. Last evaluated: 2022-11-10. Review status: criteria provided, single submitter. Criteria: ACMG Guidelines, 2015. Collection method: clinical testing. Allele origin: germline.

Eurofins Ntd Llc (ga)
Classification: Uncertain significance. Last evaluated: 2018-06-22. Review status: criteria provided, single submitter. Criteria: EGL ClinVar v180209 classification definitions. Collection method: clinical testing. Allele origin: germline. Observed: 1 variant allele, 1 heterozygote.

NM_000501.4(ELN):c.1358-198G>A

Gene: ELN (elastin; plus strand). Cytogenetic location: 7q11.23.
Variant type: single nucleotide variant.
Coding change: c.1358-198G>A on transcript NM_000501.4 (MANE Select); 198 bases into the intron before coding-DNA position 1358, G replaced by A.
Molecular consequence: intron variant. On other transcripts: missense variant (1).
Genome position (GRCh38, 1-based): chr7:74,057,442, G>A. VCF-style: chr7-74057442-G-A. GRCh37 (hg19) VCF-style: chr7-73471772-G-A.
Other names: c.1418G>A, p.Gly473Asp (NM_001278939.2); c.1373-198G>A (NM_001081754.3); c.1372+729G>A (NM_001081753.3); c.1358-198G>A (NM_001278915.2, NM_001278912.2); c.1357+729G>A (NM_001081755.3); c.1315+729G>A (NM_001278916.2); c.1171+729G>A (NM_001278913.2); c.1342+729G>A (NM_001278914.2); and 3 more; short protein forms G473D.
Identifiers: ClinVar variation 429705 (VCV000429705.55), dbSNP rs192461213, ClinGen allele CA4292991.